The following is an entry in ClinVar:

ClinVar aggregate classification (germline): Uncertain significance (1 of 4 stars; one submission).

Conditions:
Familial thoracic aortic aneurysm and aortic dissection (TAAD). Also called: Thoracic aortic aneurysms and dissections. Identifiers: Orphanet 91387, MedGen C4707243, MONDO:0019625.
Marfan syndrome (MFS). Also called: MARFAN SYNDROME, TYPE I; Marfan syndrome type 1; Marfan's syndrome; Marfan syndrome, classic; FBN1-Related Marfan Syndrome. Identifiers: Orphanet 284963, Orphanet 558, MedGen C0024796, MONDO:0007947, OMIM 154700.

Submission:

Labcorp Genetics (formerly Invitae), Labcorp
Classification: Uncertain significance for Marfan syndrome; Familial thoracic aortic aneurysm and aortic dissection. Last evaluated: 2022-03-16. Review status: criteria provided, single submitter. Criteria: Invitae Variant Classification Sherloc (09022015). Collection method: clinical testing. Allele origin: germline.
Comment: In summary, the available evidence is currently insufficient to determine the role of this variant in disease. Therefore, it has been classified as a Variant of Uncertain Significance. Advanced modeling of protein sequence and biophysical properties (such as structural, functional, and spatial information, amino acid conservation, physicochemical variation, residue mobility, and thermodynamic stability) performed at Invitae indicates that this missense variant is not expected to disrupt FBN1 protein function. This variant has not been reported in the literature in individuals affected with FBN1-related conditions. This variant is not present in population databases (gnomAD no frequency). This sequence change replaces phenylalanine, which is neutral and non-polar, with leucine, which is neutral and non-polar, at codon 2803 of the FBN1 protein (p.Phe2803Leu).

NM_000138.5(FBN1):c.8409C>G (p.Phe2803Leu)

Gene: FBN1 (fibrillin 1; minus strand). Cytogenetic location: 15q21.1.
Variant type: single nucleotide variant.
Coding change: c.8409C>G on transcript NM_000138.5 (MANE Select); coding-DNA position 8409, C replaced by G.
Protein change: p.Phe2803Leu; replaces phenylalanine 2803 with leucine.
Molecular consequence: missense variant.
Genome position (GRCh38, 1-based): chr15:48,411,197, G>C on the plus strand (C>G on the coding strand, the complement: FBN1 is on the minus strand). VCF-style: chr15-48411197-G-C. GRCh37 (hg19) VCF-style: chr15-48703394-G-C.
Other names: c.8409C>G, p.Phe2803Leu (NM_001406716.1); short protein forms F2803L.
Identifiers: ClinVar variation 2099964 (VCV002099964.4), dbSNP rs2042859268, ClinGen allele CA392319157.